The following is an entry in ClinVar:

ClinVar aggregate classification (germline): Likely pathogenic (1 of 4 stars; one submission).

Conditions:
SOX10-related disorder. Also called: SOX10-related condition.

Submission:

3billion
Classification: Likely pathogenic for SOX10-related disorder. Last evaluated: 2025-09-10. Review status: criteria provided, single submitter. Criteria: ACMG Guidelines, 2015. Collection method: clinical testing. Allele origin: germline. Affected: yes.
Comment: The variant is not observed in the gnomAD v4.1.0 dataset. Predicted Consequence/Location: Stop-gained (nonsense): predicted to result in a loss or disruption of normal protein function through nonsense-mediated decay (NMD) or protein truncation. Multiple pathogenic variants are reported downstream of the variant. Therefore, this variant is classified as Likely pathogenic according to the recommendation of ACMG/AMP guideline.

NM_006941.4(SOX10):c.213C>A (p.Cys71Ter)

Genes: POLR2F (RNA polymerase II, I and III subunit F; plus strand), SOX10 (SRY-box transcription factor 10; minus strand). Cytogenetic location: 22q13.1.
Variant type: single nucleotide variant.
Coding change: c.213C>A on transcript NM_006941.4 (MANE Select); coding-DNA position 213, C replaced by A.
Protein change: p.Cys71Ter; replaces cysteine 71 with a stop codon.
Molecular consequence: nonsense. On other transcripts: intron variant (3).
Genome position (GRCh38, 1-based): chr22:37,983,572, G>T on the plus strand (C>A on the coding strand, the complement: SOX10 is on the minus strand). VCF-style: chr22-37983572-G-T. GRCh37 (hg19) VCF-style: chr22-38379579-G-T.
Other names: c.*38+11262G>T (NM_001363825.1); c.294-2582G>T (NM_001301130.2); c.293+16402G>T (NM_001301131.2); short protein forms C71*.
Identifiers: ClinVar variation 4853984 (VCV004853984.1).